The following is an entry in ClinVar:

NM_004984.4(KIF5A):c.1255G>A (p.Glu419Lys)

Gene: KIF5A (kinesin family member 5A; plus strand). Cytogenetic location: 12q13.3.
Variant type: single nucleotide variant.
Coding change: c.1255G>A on transcript NM_004984.4 (MANE Select); coding-DNA position 1255, G replaced by A.
Protein change: p.Glu419Lys; replaces glutamic acid 419 with lysine.
Molecular consequence: missense variant.
Genome position (GRCh38, 1-based): chr12:57,570,124, G>A. VCF-style: chr12-57570124-G-A. GRCh37 (hg19) VCF-style: chr12-57963907-G-A.
Other names: p.Glu419Lys; c.988G>A, p.Glu330Lys (NM_001354705.2); short protein forms E419K, E330K.
Identifiers: ClinVar variation 2730582 (VCV002730582.3), dbSNP rs755243063, ClinGen allele CA6652801.

ClinVar aggregate classification (germline): Uncertain significance (1 of 4 stars; one submission).

Conditions:
Spastic paraplegia. Identifiers: MedGen C0037772, HP:0001258.

Allele frequency attached by ClinVar (database versions not stated): gnomAD 0.00001; ExAC 0.00001.
gnomAD v4.1: 1 of 1,614,000 alleles (0.000062%); no homozygotes.

Submission:

Labcorp Genetics (formerly Invitae), Labcorp
Classification: Uncertain significance for Spastic paraplegia. Last evaluated: 2023-08-11. Review status: criteria provided, single submitter. Criteria: Invitae Variant Classification Sherloc (09022015). Collection method: clinical testing. Allele origin: germline.
Comment: Advanced modeling of protein sequence and biophysical properties (such as structural, functional, and spatial information, amino acid conservation, physicochemical variation, residue mobility, and thermodynamic stability) has been performed at Invitae for this missense variant, however the output from this modeling did not meet the statistical confidence thresholds required to predict the impact of this variant on KIF5A protein function. In summary, the available evidence is currently insufficient to determine the role of this variant in disease. Therefore, it has been classified as a Variant of Uncertain Significance. This variant has not been reported in the literature in individuals affected with KIF5A-related conditions. This variant is not present in population databases (gnomAD no frequency). This sequence change replaces glutamic acid, which is acidic and polar, with lysine, which is basic and polar, at codon 419 of the KIF5A protein (p.Glu419Lys).